The following is an entry in ClinVar:

ClinVar aggregate classification (germline): Conflicting classifications of pathogenicity. Review status: criteria provided, conflicting classifications (1 of 4 stars). 3 submissions from 3 submitters: Uncertain significance (1); Benign (1); Likely benign (1). Last evaluated 2026-01-20.

Conditions:
Ovarian cancer. Also called: OVARIAN CANCER, SOMATIC. Identifiers: Orphanet 213500, MedGen C1140680, MONDO:0008170, OMIM 167000.
Gastrointestinal stromal tumor. Also called: Gastrointestinal stroma tumor; Gastrointestinal stromal tumor, somatic. Identifiers: Orphanet 44890, MedGen C0238198, MeSH D046152, MONDO:0011719, OMIM 606764, HP:0100723.
Hereditary cancer-predisposing syndrome. Also called: Tumor predisposition; Hereditary neoplastic syndrome; Neoplastic Syndromes, Hereditary; Hereditary Cancer Syndrome. Identifiers: Orphanet 140162, MedGen C0027672, MeSH D009386, MONDO:0015356.

gnomAD v4.1: 1 of 1,614,222 alleles (0.000062%); highest among the groups gnomAD compares: Non-Finnish European, 0.000085%; no homozygotes.

Submissions (3):

Ambry Genetics
Classification: Likely benign for Hereditary cancer-predisposing syndrome. Last evaluated: 2026-01-20. Review status: criteria provided, single submitter. Criteria: Ambry Variant Classification Scheme 2023. Collection method: clinical testing. Allele origin: germline.

Laboratory of Molecular Epidemiology of Birth Defects, West China Second University Hospital, Sichuan University
Classification: Benign for Ovarian cancer. Last evaluated: 2022-01-01. Review status: criteria provided, single submitter. Criteria: ACMG Guidelines, 2015. Collection method: clinical testing. Allele origin: germline. Affected: yes.

Labcorp Genetics (formerly Invitae), Labcorp
Classification: Uncertain significance for Gastrointestinal stromal tumor. Last evaluated: 2017-02-02. Review status: criteria provided, single submitter. Criteria: Invitae Variant Classification Sherloc (09022015). Collection method: clinical testing. Allele origin: germline.
Comment: In summary, this variant is a novel missense change that is not predicted to affect protein function. There is no indication that it causes disease, but the available evidence is currently insufficient to prove that conclusively. Therefore, it has been classified as a Variant of Uncertain Significance. Algorithms developed to predict the effect of missense changes on protein structure and function output the following: (SIFT: "Tolerated"; PolyPhen-2: "Benign"; Align-GVGD: "Class C0"). The lysine amino acid residue is found in multiple mammalian species, suggesting that this missense change does not adversely affect protein function. These predictions have not been confirmed by published functional studies. This variant is not present in population databases (ExAC no frequency) and has not been reported in the literature in individuals with a KIT-related disease. This sequence change replaces asparagine with lysine at codon 80 of the KIT protein (p.Asn80Lys). The asparagine residue is weakly conserved and there is a moderate physicochemical difference between asparagine and lysine.

NM_000222.3(KIT):c.240T>A (p.Asn80Lys)

Gene: KIT (KIT proto-oncogene, receptor tyrosine kinase; plus strand). Cytogenetic location: 4q12.
Variant type: single nucleotide variant.
Coding change: c.240T>A on transcript NM_000222.3 (MANE Select); coding-DNA position 240, T replaced by A.
Protein change: p.Asn80Lys; replaces asparagine 80 with lysine.
Molecular consequence: missense variant.
Genome position (GRCh38, 1-based): chr4:54,695,684, T>A. VCF-style: chr4-54695684-T-A. GRCh37 (hg19) VCF-style: chr4-55561850-T-A.
Other names: c.240T>A, p.Asn80Lys (NM_001093772.2, NM_001385284.1, NM_001385285.1 and 4 more transcripts); short protein forms N80K.
Identifiers: ClinVar variation 458918 (VCV000458918.12), dbSNP rs1553887329, ClinGen allele CA356897141.